The following is an entry in ClinVar:

NM_004595.5(SMS):c.1061+2T>C

Gene: SMS (spermine synthase; plus strand). Cytogenetic location: Xp22.11.
Variant type: single nucleotide variant.
Coding change: c.1061+2T>C on transcript NM_004595.5 (MANE Select); the canonical splice donor site of the intron after coding-DNA position 1061, T replaced by C.
Molecular consequence: splice donor variant.
Genome position (GRCh38, 1-based): chrX:21,992,714, T>C. VCF-style: chrX-21992714-T-C. GRCh37 (hg19) VCF-style: chrX-22010832-T-C.
Other names: c.902+2T>C (NM_001258423.2).
Identifiers: ClinVar variation 2436212 (VCV002436212.4), dbSNP rs772633367, ClinGen allele CA10367911.
Genomic context (GRCh38, chrX:21,992,714, plus strand): 5'-CTGTATTGTCCTGTGGAATTTTCAAAGGAGATCGTCTGTGTCCCTTCATACTTGGAATTG[T>C]ATCCTTTGACCGTGACATTCTGTTGCCAGATCAAAGCACCCAAGTAAATCATATGCCAAT-3'

ClinVar aggregate classification (germline): Uncertain significance. Review status: criteria provided, multiple submitters, no conflicts (2 of 4 stars). 2 submissions from 2 submitters: Uncertain significance (2). Last evaluated 2025-01-31.

Conditions:
Intellectual developmental disorder, X-linked, syndromic, Snyder-Robinson type. Also called: SNYDER-ROBINSON MENTAL RETARDATION SYNDROME; Syndromic X-linked intellectual disability Snyder type; X-linked mental retardation Snyder - Robinson type; Spermine synthase deficiency. Identifiers: Orphanet 3063, MedGen C0796160, MONDO:0010664, OMIM 309583.

Allele frequency attached by ClinVar (database versions not stated): ExAC 0.00001.
gnomAD v4.1: 1 of 1,092,285 alleles (0.000092%); highest among the groups gnomAD compares: Non-Finnish European, 0.00013%; no homozygotes.

Submissions (2):

GeneDx
Classification: Uncertain significance. Last evaluated: 2025-01-31. Review status: criteria provided, single submitter. Criteria: GeneDx Variant Classification Process June 2021. Collection method: clinical testing. Allele origin: germline. Affected: yes.
Comment: Identified in a patient with a primary phenotype of abnormality of the nervous system in published literature; however, detailed clinical information was not provided (PMID: 26633542); Canonical splice site variant with an unclear effect on protein function; This variant is associated with the following publications: (PMID: 26633542)

Revvity Omics, Revvity
Classification: Uncertain significance for Intellectual developmental disorder, X-linked, syndromic, Snyder-Robinson type. Last evaluated: 2019-05-11. Review status: criteria provided, single submitter. Criteria: ACMG Guidelines, 2015. Collection method: clinical testing. Allele origin: germline.